The following is an entry in ClinVar:

NM_007078.3(LDB3):c.566C>A (p.Ser189Ter)

Gene: LDB3 (LIM domain binding 3; plus strand). Cytogenetic location: 10q23.2.
Variant type: single nucleotide variant.
Coding change: c.566C>A on transcript NM_007078.3 (MANE Select); coding-DNA position 566, C replaced by A.
Protein change: p.Ser189Ter; replaces serine 189 with a stop codon.
Molecular consequence: nonsense. On other transcripts: intron variant (5).
Genome position (GRCh38, 1-based): chr10:86,681,680, C>A. VCF-style: chr10-86681680-C-A. GRCh37 (hg19) VCF-style: chr10-88441437-C-A.
Other names: c.566C>A, p.Ser189Ter (NM_001080115.2, NM_001171610.2, NM_001171611.2 and 3 more transcripts); c.321+1523C>A (NM_001368068.1, NM_001368066.1, NM_001080114.2 and 2 more transcripts); short protein forms S189*.
Identifiers: ClinVar variation 2720857 (VCV002720857.3), dbSNP rs45487699, ClinGen allele CA377454758.

ClinVar aggregate classification (germline): Pathogenic (1 of 4 stars; one submission).

Conditions:
Myofibrillar myopathy 4. Also called: Zaspopathy (type). Identifiers: Orphanet 98912, MedGen C4721886, MONDO:0012277, OMIM 609452.

Submission:

Labcorp Genetics (formerly Invitae), Labcorp
Classification: Pathogenic for Myofibrillar myopathy 4. Last evaluated: 2024-11-14. Review status: criteria provided, single submitter. Criteria: Invitae Variant Classification Sherloc (09022015). Collection method: clinical testing. Allele origin: germline.
Comment: The LDB3 gene has multiple clinically relevant transcripts. This variant occurs in alternate transcript NM_007078.3, and corresponds to NM_001080116.1:c.321+1523C>A in the primary transcript. This sequence change creates a premature translational stop signal (p.Ser189*) in the LDB3 gene. It is expected to result in an absent or disrupted protein product. Loss-of-function variants in LDB3 are known to be pathogenic (PMID: 36253531). This variant is not present in population databases (gnomAD no frequency). This variant has not been reported in the literature in individuals affected with LDB3-related conditions. ClinVar contains an entry for this variant (Variation ID: 2720857). For these reasons, this variant has been classified as Pathogenic.

Literature cited by the submitters: PubMed 36253531.